The following is an entry in ClinVar:

NM_001963.6(EGF):c.3335A>C (p.Gln1112Pro)

Gene: EGF (epidermal growth factor; plus strand). Cytogenetic location: 4q25.
Variant type: single nucleotide variant.
Coding change: c.3335A>C on transcript NM_001963.6 (MANE Select); coding-DNA position 3335, A replaced by C.
Protein change: p.Gln1112Pro; replaces glutamine 1112 with proline.
Molecular consequence: missense variant. On other transcripts: intron variant (1).
Genome position (GRCh38, 1-based): chr4:110,008,195, A>C. VCF-style: chr4-110008195-A-C. GRCh37 (hg19) VCF-style: chr4-110929351-A-C.
Other names: c.3212A>C, p.Gln1071Pro (NM_001178130.3); c.3209A>C, p.Gln1070Pro (NM_001178131.3); c.2923-3007A>C (NM_001357021.2); short protein forms Q1070P, Q1071P, Q1112P.
Identifiers: ClinVar variation 1905710 (VCV001905710.5), dbSNP rs756093900, ClinGen allele CA3044249.

ClinVar aggregate classification (germline): Uncertain significance (1 of 4 stars; one submission).

Allele frequency attached by ClinVar (database versions not stated): ExAC 0.00001; gnomAD exomes 0.00001.
gnomAD v4.1: 5 of 1,614,090 alleles (0.00031%); highest among the groups gnomAD compares: Admixed American, 0.005%; no homozygotes.

Submission:

Labcorp Genetics (formerly Invitae), Labcorp
Classification: Uncertain significance. Last evaluated: 2022-10-19. Review status: criteria provided, single submitter. Criteria: Invitae Variant Classification Sherloc (09022015). Collection method: clinical testing. Allele origin: germline.
Comment: This sequence change replaces glutamine, which is neutral and polar, with proline, which is neutral and non-polar, at codon 1112 of the EGF protein (p.Gln1112Pro). This variant is present in population databases (rs756093900, gnomAD 0.01%). This variant has not been reported in the literature in individuals affected with EGF-related conditions. Algorithms developed to predict the effect of missense changes on protein structure and function output the following: SIFT: "Not Available"; PolyPhen-2: "Benign"; Align-GVGD: "Not Available". The proline amino acid residue is found in multiple mammalian species, which suggests that this missense change does not adversely affect protein function. In summary, the available evidence is currently insufficient to determine the role of this variant in disease. Therefore, it has been classified as a Variant of Uncertain Significance.